The following is an entry in ClinVar:

ClinVar aggregate classification (germline): Uncertain significance (1 of 4 stars; one submission).

Conditions:
Fanconi anemia (FA). Also called: Fanconi's anemia. Identifiers: Orphanet 84, MedGen C0015625, MeSH D005199, MONDO:0019391.

Submission:

Labcorp Genetics (formerly Invitae), Labcorp
Classification: Uncertain significance for Fanconi anemia. Last evaluated: 2021-01-12. Review status: criteria provided, single submitter. Criteria: Invitae Variant Classification Sherloc (09022015). Collection method: clinical testing. Allele origin: germline.
Comment: This sequence change replaces cysteine with tryptophan at codon 300 of the FANCC protein (p.Cys300Trp). The cysteine residue is weakly conserved and there is a large physicochemical difference between cysteine and tryptophan. This variant is not present in population databases (ExAC no frequency). This variant has not been reported in the literature in individuals with FANCC-related conditions. Algorithms developed to predict the effect of missense changes on protein structure and function are either unavailable or do not agree on the potential impact of this missense change (SIFT: "Tolerated"; PolyPhen-2: "Possibly Damaging"; Align-GVGD: "Class C0"). In summary, the available evidence is currently insufficient to determine the role of this variant in disease. Therefore, it has been classified as a Variant of Uncertain Significance.

NM_000136.3(FANCC):c.900T>G (p.Cys300Trp)

Genes: AOPEP (aminopeptidase O (putative); plus strand), FANCC (FA complementation group C; minus strand). Cytogenetic location: 9q22.32.
Variant type: single nucleotide variant.
Coding change: c.900T>G on transcript NM_000136.3 (MANE Select); coding-DNA position 900, T replaced by G.
Protein change: p.Cys300Trp; replaces cysteine 300 with tryptophan.
Molecular consequence: missense variant.
Genome position (GRCh38, 1-based): chr9:95,125,182, A>C on the plus strand (T>G on the coding strand, the complement: FANCC is on the minus strand). VCF-style: chr9-95125182-A-C. GRCh37 (hg19) VCF-style: chr9-97887464-A-C.
Other names: c.900T>G, p.Cys300Trp (NM_001243743.2, NM_001243744.2); short protein forms C300W.
Identifiers: ClinVar variation 1359855 (VCV001359855.8), dbSNP rs2134924997, ClinGen allele CA374109028.
Genomic context (GRCh38, chr9:95,125,182, plus strand): 5'-CTGCGTAAACACCTGAATAGTGGCTATGATTTCCAGGGCCCCATCGGTTTCCAGGAGTGC[A>C]CACCTGAACAATGCAAAGTCAGATCAGAACACGTTTAACAAGTAATCCGGCAAACATGAA-3'
Protein context (NP_000127.2, residues 290-310): IFRVVDEMFR[Cys300Trp]ALLETDGALE